The following is an entry in ClinVar:

NM_004341.5(CAD):c.5561G>T (p.Arg1854Leu)

Gene: CAD (carbamoyl-phosphate synthetase 2, aspartate transcarbamylase, and dihydroorotase; plus strand). Cytogenetic location: 2p23.3.
Variant type: single nucleotide variant.
Coding change: c.5561G>T on transcript NM_004341.5 (MANE Select); coding-DNA position 5561, G replaced by T.
Protein change: p.Arg1854Leu; replaces arginine 1854 with leucine.
Molecular consequence: missense variant.
Genome position (GRCh38, 1-based): chr2:27,240,329, G>T. VCF-style: chr2-27240329-G-T. GRCh37 (hg19) VCF-style: chr2-27463197-G-T.
Other names: c.5372G>T, p.Arg1791Leu (NM_001306079.2); short protein forms R1791L, R1854L.
Identifiers: ClinVar variation 1968627 (VCV001968627.3), dbSNP rs753204449, ClinGen allele CA1573921.
Genomic context (GRCh38, chr2:27,240,329, plus strand): 5'-CTGAAAGACCCCGCCGTGGCATCCCAGGGCTTCCTGATGGCCGCTTCCATCTGCCGCCCC[G>T]AATCCATCGAGCCTCCGACCCAGGTTTGCCAGGTAAGAGTGGGGTTCCTGTGACTCAGAG-3'
Protein context (NP_004332.2, residues 1844-1864): LPDGRFHLPP[Arg1854Leu]IHRASDPGLP

ClinVar aggregate classification (germline): Uncertain significance (1 of 4 stars; one submission).

Submission:

Labcorp Genetics (formerly Invitae), Labcorp
Classification: Uncertain significance. Last evaluated: 2022-08-22. Review status: criteria provided, single submitter. Criteria: Invitae Variant Classification Sherloc (09022015). Collection method: clinical testing. Allele origin: germline.
Comment: In summary, the available evidence is currently insufficient to determine the role of this variant in disease. Therefore, it has been classified as a Variant of Uncertain Significance. Algorithms developed to predict the effect of missense changes on protein structure and function are either unavailable or do not agree on the potential impact of this missense change (SIFT: "Deleterious"; PolyPhen-2: "Benign"; Align-GVGD: "Class C0"). This variant has not been reported in the literature in individuals affected with CAD-related conditions. This variant is present in population databases (rs753204449, gnomAD 0.006%). This sequence change replaces arginine, which is basic and polar, with leucine, which is neutral and non-polar, at codon 1854 of the CAD protein (p.Arg1854Leu).